The following is an entry in ClinVar:

NC_000008.10:g.(?_118596815)_(118825146_?)del

Gene: EXT1 (exostosin glycosyltransferase 1; minus strand). Cytogenetic location: 8q24.11.
Variant type: Deletion.
Identifiers: ClinVar variation 3245410 (VCV003245410.1).

ClinVar aggregate classification (germline): Pathogenic (1 of 4 stars; one submission).

Conditions:
Multiple congenital exostosis (EXT). Also called: Multiple exostoses; MULTIPLE CARTILAGINOUS EXOSTOSES; Multiple osteochondromas; Hereditary multiple osteochondromas; Hereditary multiple exostoses; Hereditary multiple exostosis. Identifiers: Orphanet 321, MedGen C0015306, MONDO:0005508, HP:0002762.

Submission:

Labcorp Genetics (formerly Invitae), Labcorp
Classification: Pathogenic for Multiple congenital exostosis. Last evaluated: 2019-08-13. Review status: criteria provided, single submitter. Criteria: Invitae Variant Classification Sherloc (09022015). Collection method: clinical testing. Allele origin: unknown.
Comment: For these reasons, this variant has been classified as Pathogenic. This variant disrupts the C-terminus of the EXT1 protein. Other variant(s) that disrupt this region (p.Trp711*) have been determined to be pathogenic (PMID: 29620724, Invitae). This suggests that variants that disrupt this region of the protein are likely to be causative of disease. This variant has not been reported in the literature in individuals with EXT1-related conditions. This variant is a gross deletion of the genomic region encompassing exons 9-11 and part of exon 8 (c.1687_*215136del) of the EXT1 gene. While this deletion is not anticipated to result in nonsense mediated decay, it is expected to create a truncated protein product or disrupt mRNA translation.

Literature cited by the submitters: PubMed 29620724.